The following is an entry in ClinVar:

ClinVar aggregate classification (germline): Uncertain significance (1 of 4 stars; one submission).

Conditions:
Immunodeficiency 31B. Also called: STAT1 DEFICIENCY, AUTOSOMAL RECESSIVE; IMMUNODEFICIENCY 31B, MYCOBACTERIAL AND VIRAL INFECTIONS, AUTOSOMAL RECESSIVE. Identifiers: Orphanet 391311, MedGen C3151088, MONDO:0013427, OMIM 613796.
Autoimmune enteropathy and endocrinopathy - susceptibility to chronic infections syndrome. Also called: Immunodeficiency 31C, autosomal dominant; Immunodeficiency 31C. Identifiers: Orphanet 391487, MedGen C3279990, MONDO:0013599, OMIM 614162.
Mendelian susceptibility to mycobacterial diseases due to partial STAT1 deficiency. Also called: IMMUNODEFICIENCY 31A, MYCOBACTERIOSIS, AUTOSOMAL DOMINANT; STAT1 DEFICIENCY, AUTOSOMAL DOMINANT; Immunodeficiency 31a. Identifiers: Orphanet 319595, MedGen C4013950, MONDO:0013956, OMIM 614892.

Submission:

Labcorp Genetics (formerly Invitae), Labcorp
Classification: Uncertain significance for Mendelian susceptibility to mycobacterial diseases due to partial STAT1 deficiency; Immunodeficiency 31B; Autoimmune enteropathy and endocrinopathy - susceptibility to chronic infections syndrome. Last evaluated: 2023-09-29. Review status: criteria provided, single submitter. Criteria: Invitae Variant Classification Sherloc (09022015). Collection method: clinical testing. Allele origin: germline.
Comment: In summary, the available evidence is currently insufficient to determine the role of this variant in disease. Therefore, it has been classified as a Variant of Uncertain Significance. This sequence change falls in intron 24 of the STAT1 gene. It does not directly change the encoded amino acid sequence of the STAT1 protein. This variant is not present in population databases (gnomAD no frequency). This variant has not been reported in the literature in individuals affected with STAT1-related conditions. Algorithms developed to predict the effect of sequence changes on RNA splicing suggest that this variant may disrupt the consensus splice site.

NM_007315.4(STAT1):c.2239-16T>G

Gene: STAT1 (signal transducer and activator of transcription 1; minus strand). Cytogenetic location: 2q32.2.
Variant type: single nucleotide variant.
Coding change: c.2239-16T>G on transcript NM_007315.4 (MANE Select); 16 bases into the intron before coding-DNA position 2239, T replaced by G.
Molecular consequence: intron variant.
Genome position (GRCh38, 1-based): chr2:190,970,733, A>C on the plus strand (T>G on the coding strand, the complement: STAT1 is on the minus strand). VCF-style: chr2-190970733-A-C. GRCh37 (hg19) VCF-style: chr2-191835459-A-C.
Other names: c.2149-16T>G (NM_001384890.1); c.2140-16T>G (NM_001384883.1); c.2080-16T>G (NM_001384885.1); c.2146-16T>G (NM_001384887.1); c.2179-16T>G (NM_001384880.1); c.2209-16T>G (NM_001384888.1); c.2233-16T>G (NM_001384882.1); c.2227-16T>G (NM_001384889.1); and 4 more.
Identifiers: ClinVar variation 2952382 (VCV002952382.3), dbSNP rs966938422, ClinGen allele CA2740096395.